The following is an entry in ClinVar:

ClinVar aggregate classification (germline): Likely benign. Review status: criteria provided, multiple submitters, no conflicts (2 of 4 stars). 4 submissions from 4 submitters: Likely benign (4). Last evaluated 2026-04-14.

Conditions:
SH3PXD2B-related disorder. Also called: SH3PXD2B-related condition.

Allele frequency attached by ClinVar (database versions not stated): gnomAD exomes below 0.00001 and 0.00001; gnomAD 0.00001; TOPMed 0.00003.
gnomAD v4.1: 20 of 1,611,922 alleles (0.0012%); highest among the groups gnomAD compares: South Asian, 0.0055%; no homozygotes.

Submissions (4):

PreventionGenetics, part of Exact Sciences
Classification: Likely benign for SH3PXD2B-related condition. Last evaluated: 2026-04-14. Review status: criteria provided, single submitter. Criteria: ACMG Guidelines, 2015. Collection method: clinical testing. Allele origin: germline.
Comment: This variant is classified as likely benign based on ACMG/AMP sequence variant interpretation guidelines (Richards et al. 2015 PMID: 25741868, with internal and published modifications).

CeGaT Center for Human Genetics Tuebingen
Classification: Likely benign. Last evaluated: 2026-01-01. Review status: criteria provided, single submitter. Criteria: CeGaT Center For Human Genetics Tuebingen Variant Classification Criteria Version 2. Collection method: clinical testing. Allele origin: germline. Affected: yes. Observed: 1 variant allele.
Comment: SH3PXD2B: BP4, BP7

Labcorp Genetics (formerly Invitae), Labcorp
Classification: Likely benign. Last evaluated: 2025-12-23. Review status: criteria provided, single submitter. Criteria: Invitae Variant Classification Sherloc (09022015). Collection method: clinical testing. Allele origin: germline.

Breakthrough Genomics
Classification: Likely benign. Review status: criteria provided, single submitter. Criteria: ACMG Guidelines, 2015. Collection method: not provided. Allele origin: germline. Inheritance: Autosomal recessive inheritance. Affected: yes.

NM_001017995.3(SH3PXD2B):c.96G>A (p.Thr32=)

Gene: SH3PXD2B (SH3 and PX domains 2B; minus strand). Cytogenetic location: 5q35.1.
Variant type: single nucleotide variant.
Coding change: c.96G>A on transcript NM_001017995.3 (MANE Select); coding-DNA position 96, G replaced by A.
Protein change: p.Thr32=; no amino-acid change (threonine 32 retained).
Molecular consequence: synonymous variant.
Genome position (GRCh38, 1-based): chr5:172,422,476, C>T on the plus strand (G>A on the coding strand, the complement: SH3PXD2B is on the minus strand). VCF-style: chr5-172422476-C-T. GRCh37 (hg19) VCF-style: chr5-171849480-C-T.
Other names: c.96G>A, p.Thr32= (NM_001308175.2); c.96G>A (NM_001017995.2).
Identifiers: ClinVar variation 1144358 (VCV001144358.15), dbSNP rs1032135775, ClinGen allele CA132170995.